The following is an entry in ClinVar:

NM_001386795.1(DTNA):c.1999G>A (p.Gly667Arg)

Gene: DTNA (dystrobrevin alpha; plus strand). Cytogenetic location: 18q12.1.
Variant type: single nucleotide variant.
Coding change: c.1999G>A on transcript NM_001386795.1 (MANE Select); coding-DNA position 1999, G replaced by A.
Protein change: p.Gly667Arg; replaces glycine 667 with arginine.
Molecular consequence: missense variant.
Genome position (GRCh38, 1-based): chr18:34,879,556, G>A. VCF-style: chr18-34879556-G-A. GRCh37 (hg19) VCF-style: chr18-32459520-G-A.
Other names: c.1738G>A, p.Gly580Arg (NM_001198938.2, NM_001198940.2, NM_001386753.1 and 5 more transcripts); c.1759G>A, p.Gly587Arg (NM_001198939.2); c.1045G>A, p.Gly349Arg (NM_001198942.1); c.988G>A, p.Gly330Arg (NM_001198943.1); c.874G>A, p.Gly292Arg (NM_001198944.1); c.1828G>A, p.Gly610Arg (NM_001386754.1, NM_001386755.1, NM_001386756.1 and 3 more transcripts); c.1825G>A, p.Gly609Arg (NM_001386760.1); c.1747G>A, p.Gly583Arg (NM_001386761.1, NM_032975.4); and 5 more; short protein forms G288R, G292R, G330R, G349R, G579R, G580R, G582R, G583R.
Identifiers: ClinVar variation 2648673 (VCV002648673.24), dbSNP rs2522918189, ClinGen allele CA402179777.

ClinVar aggregate classification (germline): Uncertain significance (1 of 4 stars; one submission).

Submission:

CeGaT Center for Human Genetics Tuebingen
Classification: Uncertain significance. Last evaluated: 2022-12-01. Review status: criteria provided, single submitter. Criteria: CeGaT Center For Human Genetics Tuebingen Variant Classification Criteria Version 2. Collection method: clinical testing. Allele origin: germline. Affected: yes. Observed: 1 variant allele.
Comment: DTNA: PM2